The following is an entry in ClinVar:

NM_000020.3(ACVRL1):c.-5-17C>T

Gene: ACVRL1 (activin A receptor like type 1; plus strand). Cytogenetic location: 12q13.13.
Variant type: single nucleotide variant.
Coding change: c.-5-17C>T on transcript NM_000020.3 (MANE Select); 17 bases into the intron before 5 bases upstream of the start codon, C replaced by T.
Molecular consequence: intron variant. On other transcripts: 5 prime UTR variant (7).
Genome position (GRCh38, 1-based): chr12:51,912,453, C>T. VCF-style: chr12-51912453-C-T. GRCh37 (hg19) VCF-style: chr12-52306237-C-T.
Other names: c.-22C>T (NM_001077401.2, NM_001406489.1, NM_001406490.1 and 4 more transcripts); c.-5-17C>T (NM_001406487.1, NM_001406491.1, NM_001406488.1).
Identifiers: ClinVar variation 2578683 (VCV002578683.25), dbSNP rs201412945, ClinGen allele CA6572770.

ClinVar aggregate classification (germline): Likely benign (1 of 4 stars; one submission).

Allele frequency attached by ClinVar (database versions not stated): gnomAD exomes 0.00001; ExAC 0.00003; gnomAD 0.00005; TOPMed 0.00005.

Submission:

CeGaT Center for Human Genetics Tuebingen
Classification: Likely benign. Last evaluated: 2023-07-01. Review status: criteria provided, single submitter. Criteria: CeGaT Center For Human Genetics Tuebingen Variant Classification Criteria Version 2. Collection method: clinical testing. Allele origin: germline. Affected: yes. Observed: 1 variant allele.
Comment: ACVRL1: BP4, BP7